The following is an entry in ClinVar:

NM_000089.4(COL1A2):c.569G>A (p.Gly190Glu)

Gene: COL1A2 (collagen type I alpha 2 chain; plus strand). Cytogenetic location: 7q21.3.
Variant type: single nucleotide variant.
Coding change: c.569G>A on transcript NM_000089.4 (MANE Select); coding-DNA position 569, G replaced by A.
Protein change: p.Gly190Glu; replaces glycine 190 with glutamic acid.
Molecular consequence: missense variant.
Genome position (GRCh38, 1-based): chr7:94,406,278, G>A. VCF-style: chr7-94406278-G-A. GRCh37 (hg19) VCF-style: chr7-94035590-G-A.
Other names: short protein forms G190E.
Identifiers: ClinVar variation 624286 (VCV000624286.48), dbSNP rs72656369, ClinGen allele CA368220065.

ClinVar aggregate classification (germline): Pathogenic/Likely pathogenic. Review status: criteria provided, multiple submitters, no conflicts (2 of 4 stars). 2 submissions from 2 submitters: Pathogenic (1); Likely pathogenic (1). Last evaluated 2024-02-12.

Conditions:
Osteogenesis imperfecta type I (OI1). Also called: Classic Non-deforming Osteogenesis Imperfecta with Blue Sclerae; OI, TYPE I; OSTEOGENESIS IMPERFECTA TARDA; OSTEOGENESIS IMPERFECTA WITH BLUE SCLERAE; Osteogenesis imperfecta type 1; Lobstein's Disease. Identifiers: Orphanet 216796, Orphanet 666, MedGen C0023931, MONDO:0008146, OMIM 166200. Disease mechanism: loss of function.
Ehlers-Danlos syndrome, classic type, 1 (EDSCL1). Also called: Ehlers-Danlos Syndrome, Classic Type, COL5A1-Related; EDS I; Ehlers-Danlos syndrome, type 1; EHLERS-DANLOS SYNDROME, GRAVIS TYPE; EHLERS-DANLOS SYNDROME, SEVERE CLASSIC TYPE. Identifiers: MedGen C0268335, MONDO:0019567, OMIM 130000.

Submissions (2):

Labcorp Genetics (formerly Invitae), Labcorp
Classification: Pathogenic for Osteogenesis imperfecta type I; Ehlers-Danlos syndrome, classic type, 1. Last evaluated: 2024-02-12. Review status: criteria provided, single submitter. Criteria: Invitae Variant Classification Sherloc (09022015). Collection method: clinical testing. Allele origin: germline.
Comment: This sequence change replaces glycine, which is neutral and non-polar, with glutamic acid, which is acidic and polar, at codon 190 of the COL1A2 protein (p.Gly190Glu). This variant is not present in population databases (gnomAD no frequency). This missense change has been observed in individual(s) with autosomal dominant osteogenesis imperfecta (PMID: 30715774). ClinVar contains an entry for this variant (Variation ID: 624286). Advanced modeling of protein sequence and biophysical properties (such as structural, functional, and spatial information, amino acid conservation, physicochemical variation, residue mobility, and thermodynamic stability) performed at Invitae indicates that this missense variant is expected to disrupt COL1A2 protein function with a positive predictive value of 95%. This variant disrupts the triple helix domain of COL1A2. Glycine residues within the Gly-Xaa-Yaa repeats of the triple helix domain are required for the structure and stability of fibrillar collagens (PMID: 7695699, 8218237, 19344236). In COL1A2, variants affecting these glycine residues are significantly enriched in individuals with disease (PMID: 9016532, 17078022) compared to the general population (ExAC). For these reasons, this variant has been classified as Pathogenic.

CeGaT Center for Human Genetics Tuebingen
Classification: Likely pathogenic. Last evaluated: 2018-04-01. Review status: criteria provided, single submitter. Criteria: CeGaT Center For Human Genetics Tuebingen Variant Classification Criteria Version 2. Collection method: clinical testing. Allele origin: germline. Affected: yes. Observed: 1 variant allele.

Literature cited by the submitters: PubMed 30715774 (cited by Labcorp Genetics (formerly Invitae), Labcorp); PubMed 7695699 (cited by Labcorp Genetics (formerly Invitae), Labcorp); PubMed 8218237 (cited by Labcorp Genetics (formerly Invitae), Labcorp); PubMed 19344236 (cited by Labcorp Genetics (formerly Invitae), Labcorp); PubMed 9016532 (cited by Labcorp Genetics (formerly Invitae), Labcorp); PubMed 17078022 (cited by Labcorp Genetics (formerly Invitae), Labcorp).